The following is an entry in ClinVar:

ClinVar aggregate classification (germline): Uncertain significance (1 of 4 stars; one submission).

Conditions:
Hereditary cancer-predisposing syndrome. Also called: Hereditary Cancer Syndrome; Hereditary neoplastic syndrome; Neoplastic Syndromes, Hereditary; Tumor predisposition. Identifiers: Orphanet 140162, MedGen C0027672, MeSH D009386, MONDO:0015356.

Submission:

Ambry Genetics
Classification: Uncertain significance for Hereditary cancer-predisposing syndrome. Last evaluated: 2023-04-09. Review status: criteria provided, single submitter. Criteria: Ambry Variant Classification Scheme 2023. Collection method: clinical testing. Allele origin: germline.
Comment: The p.K2811N variant (also known as c.8433G>T), located in coding exon 57 of the ATM gene, results from a G to T substitution at nucleotide position 8433. The lysine at codon 2811 is replaced by asparagine, an amino acid with similar properties. This amino acid position is conserved. In addition, this alteration is predicted to be tolerated by in silico analysis. Since supporting evidence is limited at this time, the clinical significance of this alteration remains unclear.

NM_000051.4(ATM):c.8433G>T (p.Lys2811Asn)

Genes: ATM (ATM serine/threonine kinase; plus strand), C11orf65 (chromosome 11 open reading frame 65; minus strand). Cytogenetic location: 11q22.3.
Variant type: single nucleotide variant.
Coding change: c.8433G>T on transcript NM_000051.4 (MANE Select); coding-DNA position 8433, G replaced by T.
Protein change: p.Lys2811Asn; replaces lysine 2811 with asparagine.
Molecular consequence: missense variant. On other transcripts: intron variant (2).
Genome position (GRCh38, 1-based): chr11:108,345,757, G>T. VCF-style: chr11-108345757-G-T. GRCh37 (hg19) VCF-style: chr11-108216484-G-T.
Other names: c.8433G>T, p.Lys2811Asn (NM_001351834.2); c.641-36686C>A (NM_001330368.2); c.695-10465C>A (NM_001351110.2); short protein forms K2811N.
Identifiers: ClinVar variation 2568189 (VCV002568189.2), dbSNP rs2137024759, ClinGen allele CA382517779.